The following is an entry in ClinVar:

NM_021224.6(ZNF462):c.6994C>T (p.Leu2332Phe)

Genes: ZNF462 (zinc finger protein 462; plus strand), LOC340512 (uncharacterized LOC340512; minus strand). Cytogenetic location: 9q31.2.
Variant type: single nucleotide variant.
Coding change: c.6994C>T on transcript NM_021224.6 (MANE Select); coding-DNA position 6994, C replaced by T.
Protein change: p.Leu2332Phe; replaces leucine 2332 with phenylalanine.
Molecular consequence: missense variant.
Genome position (GRCh38, 1-based): chr9:106,984,347, C>T. VCF-style: chr9-106984347-C-T. GRCh37 (hg19) VCF-style: chr9-109746628-C-T.
Other names: c.4399C>T, p.Leu1467Phe (NM_001347997.2); short protein forms L1467F, L2332F.
Identifiers: ClinVar variation 4085643 (VCV004085643.8).

ClinVar aggregate classification (germline): Uncertain significance (1 of 4 stars; one submission).

Submission:

CeGaT Center for Human Genetics Tuebingen
Classification: Uncertain significance. Last evaluated: 2025-08-01. Review status: criteria provided, single submitter. Criteria: CeGaT Center For Human Genetics Tuebingen Variant Classification Criteria Version 2. Collection method: clinical testing. Allele origin: germline. Affected: yes. Observed: 1 variant allele.
Comment: ZNF462: PM2, BP1